The following continues an entry in ClinVar:

NM_000548.5(TSC2):c.5228G>A (p.Arg1743Gln)

Gene: TSC2. ClinVar aggregate classification (germline): Pathogenic/Likely pathogenic. Pathogenic (14); Likely pathogenic (3).

Submissions 14 to 21 of 21:

Ambry Genetics
Classification: Likely pathogenic for Hereditary cancer-predisposing syndrome. Last evaluated: 2018-06-22. Review status: criteria provided, single submitter. Criteria: Ambry Variant Classification Scheme 2023. Collection method: clinical testing. Allele origin: germline.
Comment: The p.R1743Q variant (also known as c.5228G>A), located in coding exon 40 of the TSC2 gene, results from a G to A substitution at nucleotide position 5228. The arginine at codon 1743 is replaced by glutamine, an amino acid with highly similar properties. This variant has been detected in multiple individual's with a clinical diagnosis of TSC (Gilbert JR et al. Neurogenetics. 1998 Aug;1:267-72; Au KS et al. Genet. Med. 2007 Feb;9:88-100; van Eeghen AM et al. Epilepsy Res. 2013 Jan;103:83-7). Functional studies have shown that the p.R1743Q variant leads to significantly reduced protein expression and disrupts the normal formation of the TSC1 and TSC2 complex (Coevoets R et al. Eur. J. Hum. Genet. 2009 Mar;17:301-10; Hoogeveen-Westerveld M et al. Hum. Mutat. 2011 Apr;32:424-35; Overwater IE et al. Eur. J. Hum. Genet. 2016 12;24:1688-1695). Of note, this variant is also referred to as p.R1720Q (c. 5177G>A) in some literature. This amino acid position is highly conserved in available vertebrate species. In addition, this alteration is predicted to be deleterious by in silico analysis. Based on the majority of available evidence to date, this variant is likely to be pathogenic.

ARUP Laboratories, Molecular Genetics and Genomics, ARUP Laboratories
Classification: Pathogenic. Last evaluated: 2018-06-09. Review status: criteria provided, single submitter. Criteria: ARUP Molecular Germline Variant Investigation Process. Collection method: clinical testing. Allele origin: germline.
Comment: The TSC2 c.5228G>A; p.Arg1743Gln variant (rs45507199), also known as R1720Q, is reported in multiple individuals affected with tuberous sclerosis complex and has been reported as a de novo variant (Coevoets 2009, Hoogeveen-Westerveld 2011, Overwater 2016, Qin 2010, see LOVD TSC2 database). Functional analyses show the variant disrupts the TSC1-TSC2 complex and affects downstream signaling (Coevoets 2009, Hoogeveen-Westerveld 2011, Overwater 2016). This variant is classified as pathogenic in ClinVar (Variation ID: 49960), as well as another variant at this codon (p.Arg1743Trp, Variation ID: 49471). The p.Arg1743Gln variant is absent from the general population databases (1000 Genomes Project, Exome Variant Server, and Genome Aggregation Database), indicating it is not a common polymorphism. The arginine at codon 1743 is highly conserved and computational analyses (SIFT, PolyPhen-2) predict that this variant is deleterious. Based on available information, the p.Arg1743Gln variant is considered to be pathogenic. REFERENCES LOVD TSC2 database link: Coevoets R et al. A reliable cell-based assay for testing unclassified TSC2 gene variants. Eur J Hum Genet. 2009 Mar;17(3):301-10. Hoogeveen-Westerveld M et al. Functional assessment of variants in the TSC1 and TSC2 genes identified in individuals with Tuberous Sclerosis Complex. Hum Mutat. 2011 Apr;32(4):424-35. Overwater IE et al. Genotype and brain pathology phenotype in children with tuberous sclerosis complex. Eur J Hum Genet. 2016 Dec;24(12):1688-1695. Qin W et al. Ultra deep sequencing detects a low rate of mosaic mutations in tuberous sclerosis complex. Hum Genet. 2010 Mar;127(5):573-82.

Laboratory for Molecular Medicine, Mass General Brigham Personalized Medicine
Classification: Pathogenic for Tuberous sclerosis syndrome. Last evaluated: 2018-05-04. Review status: criteria provided, single submitter. Criteria: LMM Criteria. Collection method: clinical testing. Allele origin: germline. Inheritance: Autosomal dominant inheritance. Observed: 1 variant allele.
Comment: The Arg1743Gln variant in TSC2 was absent from large population studies but has been reported in at least 10 individuals with tuberous sclerosis (Gilbert 1998, Rendtorff 2005, Hung 2006, Qin 2010, van Eeghen 2013, Overwater 2016). In 2 of those individuals, the variant was reported to have occurred de novo (Rendtorff 2005, Overwater 2016). Different missense substitutions at this codon (p.Arg1743 Pro), (p.Arg1743Trp), and (p.Arg1743Gly) have been reported in individuals with tuberous sclerosis (HGMD database). In vitro functional studies provide some evi dence that the p.Arg1743Gln variant may impact protein function (Coevoets 2009, Hoogeveen-Westerveld 2011, Overwater 2016). However, these types of assays may n ot accurately represent biological function. Computational prediction tools and conservation analysis suggest that the p.Arg1743Gln variant may impact the prot ein, though this information is not predictive enough to determine pathogenicity . In summary, this variant meets criteria to be classified as pathogenic for tub erous sclerosis in an autosomal dominant manner based upon presence in multiple affected individuals, absence from controls, in vitro functional evidence, and p redicted impact on protein. ACMG/AMP Criteria applied: PS2; PM5; PS4_Moderate; P M2; PS3_Moderate.

Juno Genomics, Hangzhou Juno Genomics, Inc
Classification: Pathogenic for Tuberous sclerosis 2. Review status: criteria provided, single submitter. Criteria: ACMG Guidelines, 2015. Collection method: clinical testing. Allele origin: germline. Affected: yes.
Comment: Absent from controls (or at extremely low frequency if recessive) in Genome Aggregation Database, Exome Sequencing Project, 1000 Genomes Project, or Exome Aggregation Consortium.;Multiple lines of computational evidence support a deleterious effect on the gene or gene product (conservation, evolutionary, splicing impact, etc).;The prevalence of the variant in affected individuals is significantly increased compared to the prevalence in controls.;Patient's phenotype or family history is highly specific for a disease with a single genetic etiology.;De novo (both maternity and paternity confirmed) in a patient with the disease and no family history.

PreventionGenetics, part of Exact Sciences
Classification: Pathogenic for TSC2-related condition. Last evaluated: 2024-05-13. Review status: no assertion criteria provided. Collection method: clinical testing. Allele origin: germline. Not counted in ClinVar's aggregate classification.
Comment: The TSC2 c.5228G>A variant is predicted to result in the amino acid substitution p.Arg1743Gln. This variant (also described as p.Arg1720Gln) has been reported in multiple individuals with tuberous sclerosis (for example, see Gilbert et al. 1998. PubMed ID: 10732801; Kwiatkowski et al. 2015. PubMed ID: 25782670; Bąbol-Pokora et al. 2021. PubMed ID: 34403804; Ng et al. 2022. PubMed ID: 35918040) and has been observed to have arisen de novo in several patients (Rendtdorff et al. 2005. PubMed ID: 16114042; Qin et al. 2010. PubMed ID: 20165957; Overwater et al. 2016. PubMed ID: 27406250; Ding et al. 2020. PubMed ID: 32211034). In vitro functional studies have demonstrated that this variant leads to reduced protein expression, disrupted formation of the TSC1/TSC2 complex, and dysregulation of downstream signaling pathways (Coevoets et al. 2009. PubMed ID: 18854862; Hoogeveen-Westerveld et al. 2011. PubMed ID: 21309039; Overwater et al. 2016. PubMed ID: 27406250). This variant has not been reported in the gnomAD database and is interpreted as pathogenic by multiple submitters to ClinVar. Of note, additional missense variants affecting the same amino acid residue (p.Arg1743Trp, p.Arg1743Pro) have been reported as disease-causing in individuals with tuberous sclerosis (Jones et al. 1999. PubMed ID: 10205261; Sancak et al. 2005. PubMed ID: 15798777; Ng et al. 2022. PubMed ID: 35918040). Taken together, this variant is interpreted as pathogenic.

Clinical Genetics DNA and cytogenetics Diagnostics Lab, Erasmus MC, Erasmus Medical Center
Classification: Pathogenic. Review status: no assertion criteria provided. Collection method: clinical testing. Allele origin: germline. Affected: yes. Study: VKGL Data-share Consensus. Not counted in ClinVar's aggregate classification.

Diagnostic Laboratory, Department of Genetics, University Medical Center Groningen
Classification: Pathogenic. Review status: no assertion criteria provided. Collection method: clinical testing. Allele origin: germline. Affected: yes. Study: VKGL Data-share Consensus. Not counted in ClinVar's aggregate classification.

Tuberous sclerosis database (TSC2)
No classification provided. Condition: TSC. Review status: no classification provided. Criteria: Tuberous Sclerosis Database Assertion Criteria 2015. Collection method: curation. Allele origin: germline. Affected: yes. Not counted in ClinVar's aggregate classification.

Literature cited by the submitters: PubMed 18854862 (cited by 8 submitters); PubMed 10732801 (cited by 6 submitters); PubMed 28087349 (cited by Dasa and Athena Diagnostics); PubMed 10205261 (cited by 3 submitters); PubMed 16981987 (cited by 5 submitters); PubMed 29500070 (cited by 3 submitters); PubMed 21309039 (cited by 8 submitters); PubMed 27406250 (cited by 5 submitters); PubMed 32461669 (cited by Myriad Genetics, Inc.); PubMed 30036593 (cited by Myriad Genetics, Inc. and Athena Diagnostics); PubMed 16114042 (cited by 4 submitters); PubMed 20165957 (cited by 6 submitters); PubMed 25782670 (cited by Labcorp Genetics (formerly Invitae), Labcorp and Athena Diagnostics); PubMed 10723801 (cited by Department of Pathology and Laboratory Medicine, Sinai Health System); PubMed 22867869 (cited by 4 submitters); PubMed 32211034 (cited by Mayo Clinic Laboratories, Mayo Clinic); PubMed 34403804 (cited by Mayo Clinic Laboratories, Mayo Clinic); PubMed 23389244 (cited by Athena Diagnostics); PubMed 31444548 (cited by Athena Diagnostics); PubMed 16237225 (cited by Athena Diagnostics and Laboratory for Molecular Medicine, Mass General Brigham Personalized Medicine); PubMed 17304050 (cited by Athena Diagnostics and Ambry Genetics); PubMed 33532864 (cited by Molecular Biology Laboratory, Fundació Puigvert).